The following is an entry in ClinVar:

ClinVar aggregate classification (germline): Uncertain significance. Review status: criteria provided, multiple submitters, no conflicts (2 of 4 stars). 2 submissions from 2 submitters: Uncertain significance (2). Last evaluated 2024-11-26.

Conditions:
Inborn genetic diseases. Identifiers: MedGen C0950123, MeSH D030342.

Allele frequency attached by ClinVar (database versions not stated): gnomAD 0.00003; TOPMed 0.00003; gnomAD exomes 0.00004.
gnomAD v4.1: 52 of 1,492,652 alleles (0.0035%); highest among the groups gnomAD compares: Admixed American, 0.02%; no homozygotes.

Submissions (2):

Ambry Genetics
Classification: Uncertain significance for Inborn genetic diseases. Last evaluated: 2024-11-26. Review status: criteria provided, single submitter. Criteria: Ambry Variant Classification Scheme 2023. Collection method: clinical testing. Allele origin: germline.

Labcorp Genetics (formerly Invitae), Labcorp
Classification: Uncertain significance. Last evaluated: 2022-03-13. Review status: criteria provided, single submitter. Criteria: Invitae Variant Classification Sherloc (09022015). Collection method: clinical testing. Allele origin: germline.
Comment: This sequence change replaces arginine, which is basic and polar, with glutamine, which is neutral and polar, at codon 8 of the NSUN2 protein (p.Arg8Gln). This variant is present in population databases (rs747994771, gnomAD 0.03%). This variant has not been reported in the literature in individuals affected with NSUN2-related conditions. Algorithms developed to predict the effect of missense changes on protein structure and function are either unavailable or do not agree on the potential impact of this missense change (SIFT: "Tolerated"; PolyPhen-2: "Not Available"; Align-GVGD: "Class C0"). In summary, the available evidence is currently insufficient to determine the role of this variant in disease. Therefore, it has been classified as a Variant of Uncertain Significance.

NM_017755.6(NSUN2):c.23G>A (p.Arg8Gln)

Gene: NSUN2 (NOP2/Sun RNA methyltransferase 2; minus strand). Cytogenetic location: 5p15.31.
Variant type: single nucleotide variant.
Coding change: c.23G>A on transcript NM_017755.6 (MANE Select); coding-DNA position 23, G replaced by A.
Protein change: p.Arg8Gln; replaces arginine 8 with glutamine.
Molecular consequence: missense variant. On other transcripts: non-coding transcript variant (1).
Genome position (GRCh38, 1-based): chr5:6,632,957, C>T on the plus strand (G>A on the coding strand, the complement: NSUN2 is on the minus strand). VCF-style: chr5-6632957-C-T. GRCh37 (hg19) VCF-style: chr5-6633070-C-T.
Other names: c.23G>A, p.Arg8Gln (NM_001193455.2); c.23G>A (NM_017755.5); short protein forms R8Q.
Identifiers: ClinVar variation 1983504 (VCV001983504.2), dbSNP rs747994771, ClinGen allele CA3192962.